The following is an entry in ClinVar:

NM_000301.5(PLG):c.1439-8C>A

Gene: PLG (plasminogen; plus strand). Cytogenetic location: 6q26.
Variant type: single nucleotide variant.
Coding change: c.1439-8C>A on transcript NM_000301.5 (MANE Select); 8 bases into the intron before coding-DNA position 1439, C replaced by A.
Molecular consequence: intron variant.
Genome position (GRCh38, 1-based): chr6:160,731,737, C>A. VCF-style: chr6-160731737-C-A. GRCh37 (hg19) VCF-style: chr6-161152769-C-A.
Identifiers: ClinVar variation 3057845 (VCV003057845.2), dbSNP rs755647724, ClinGen allele CA4087792.

ClinVar aggregate classification (germline): Likely benign (0 of 4 stars; one submission).

Conditions:
PLG-related disorder. Also called: PLG-related condition.

Allele frequency attached by ClinVar (database versions not stated): ExAC 0.00001; gnomAD 0.00001.
gnomAD v4.1: 19 of 1,613,254 alleles (0.0012%); highest among the groups gnomAD compares: Non-Finnish European, 0.0016%; no homozygotes.

Submission:

PreventionGenetics, part of Exact Sciences
Classification: Likely benign for PLG-related condition. Last evaluated: 2019-03-15. Review status: no assertion criteria provided. Collection method: clinical testing. Allele origin: germline.
Comment: This variant is classified as likely benign based on ACMG/AMP sequence variant interpretation guidelines (Richards et al. 2015 PMID: 25741868, with internal and published modifications).